The following is an entry in ClinVar:

ClinVar aggregate classification (germline): Uncertain significance (1 of 4 stars; one submission).

Submission:

GeneDx
Classification: Uncertain significance. Last evaluated: 2023-03-03. Review status: criteria provided, single submitter. Criteria: GeneDx Variant Classification Process June 2021. Collection method: clinical testing. Allele origin: germline. Affected: yes.
Comment: Not observed at significant frequency in large population cohorts (gnomAD); In silico analysis supports that this missense variant has a deleterious effect on protein structure/function; Has not been previously published as pathogenic or benign to our knowledge.

NM_006662.3(SRCAP):c.4142C>T (p.Pro1381Leu)

Gene: SRCAP (Snf2 related CREBBP activator protein; plus strand). Cytogenetic location: 16p11.2.
Variant type: single nucleotide variant.
Coding change: c.4142C>T on transcript NM_006662.3 (MANE Select); coding-DNA position 4142, C replaced by T.
Protein change: p.Pro1381Leu; replaces proline 1381 with leucine.
Molecular consequence: missense variant.
Genome position (GRCh38, 1-based): chr16:30,723,212, C>T. VCF-style: chr16-30723212-C-T. GRCh37 (hg19) VCF-style: chr16-30734533-C-T.
Other names: short protein forms P1381L.
Identifiers: ClinVar variation 2578169 (VCV002578169.1), dbSNP rs2506674817, ClinGen allele CA395615403.